The following is an entry in ClinVar:

NM_020297.4(ABCC9):c.2182A>G (p.Lys728Glu)

Gene: ABCC9 (ATP binding cassette subfamily C member 9; minus strand). Cytogenetic location: 12p12.1.
Variant type: single nucleotide variant.
Coding change: c.2182A>G on transcript NM_020297.4 (MANE Select); coding-DNA position 2182, A replaced by G.
Protein change: p.Lys728Glu; replaces lysine 728 with glutamic acid.
Molecular consequence: missense variant.
Genome position (GRCh38, 1-based): chr12:21,872,641, T>C on the plus strand (A>G on the coding strand, the complement: ABCC9 is on the minus strand). VCF-style: chr12-21872641-T-C. GRCh37 (hg19) VCF-style: chr12-22025575-T-C.
Other names: c.2182A>G, p.Lys728Glu (NM_001377273.1, NM_005691.4); c.1318A>G, p.Lys440Glu (NM_001377274.1); short protein forms K728E, K440E.
Identifiers: ClinVar variation 1438594 (VCV001438594.6), dbSNP rs968044395, ClinGen allele CA384132421.

ClinVar aggregate classification (germline): Uncertain significance (1 of 4 stars; one submission).

Conditions:
Dilated cardiomyopathy 1O (CMD1O). Also called: CARDIOMYOPATHY, DILATED, WITH VENTRICULAR TACHYCARDIA. Identifiers: Orphanet 154, MedGen C1837839, MONDO:0012062, OMIM 608569.

Allele frequency attached by ClinVar (database versions not stated): gnomAD exomes below 0.00001.
gnomAD v4.1: 1 of 1,613,638 alleles (0.000062%); highest among the groups gnomAD compares: South Asian, 0.0011%; no homozygotes.

Submission:

Labcorp Genetics (formerly Invitae), Labcorp
Classification: Uncertain significance for Dilated cardiomyopathy 1O. Last evaluated: 2025-06-29. Review status: criteria provided, single submitter. Criteria: Invitae Variant Classification Sherloc (09022015). Collection method: clinical testing. Allele origin: germline.
Comment: This sequence change replaces lysine, which is basic and polar, with glutamic acid, which is acidic and polar, at codon 728 of the ABCC9 protein (p.Lys728Glu). This variant is present in population databases (no rsID available, gnomAD 0.003%). This variant has not been reported in the literature in individuals affected with ABCC9-related conditions. ClinVar contains an entry for this variant (Variation ID: 1438594). Invitae Evidence Modeling of protein sequence and biophysical properties (such as structural, functional, and spatial information, amino acid conservation, physicochemical variation, residue mobility, and thermodynamic stability) indicates that this missense variant is not expected to disrupt ABCC9 protein function with a negative predictive value of 95%. In summary, the available evidence is currently insufficient to determine the role of this variant in disease. Therefore, it has been classified as a Variant of Uncertain Significance.